The following is an entry in ClinVar:

ClinVar aggregate classification (germline): Uncertain significance (1 of 4 stars; one submission).

Conditions:
PHIP-related disorder. Also called: PHIP-related condition; PHIP-related disorders.

Submission:

PreventionGenetics, part of Exact Sciences
Classification: Uncertain significance for PHIP-related condition. Last evaluated: 2024-11-06. Review status: criteria provided, single submitter. Criteria: ACMG Guidelines, 2015. Collection method: clinical testing. Allele origin: germline.
Comment: The PHIP c.546C>G variant is predicted to result in the amino acid substitution p.His182Gln. To our knowledge, this variant has not been reported in the literature or in a large population database, indicating this variant is rare. At this time, the clinical significance of this variant is uncertain due to the absence of conclusive functional and genetic evidence.

NM_017934.7(PHIP):c.546C>G (p.His182Gln)

Gene: PHIP (PHIP subunit of CUL4-Ring ligase complex; minus strand). Cytogenetic location: 6q14.1.
Variant type: single nucleotide variant.
Coding change: c.546C>G on transcript NM_017934.7 (MANE Select); coding-DNA position 546, C replaced by G.
Protein change: p.His182Gln; replaces histidine 182 with glutamine.
Molecular consequence: missense variant.
Genome position (GRCh38, 1-based): chr6:79,042,897, G>C on the plus strand (C>G on the coding strand, the complement: PHIP is on the minus strand). VCF-style: chr6-79042897-G-C. GRCh37 (hg19) VCF-style: chr6-79752614-G-C.
Other names: short protein forms H182Q.
Identifiers: ClinVar variation 4982365 (VCV004982365.1).